The following is an entry in ClinVar:

ClinVar aggregate classification (germline): Likely benign. Review status: criteria provided, multiple submitters, no conflicts (2 of 4 stars). 2 submissions from 2 submitters: Likely benign (2). Last evaluated 2026-02-03.

Conditions:
Glycine encephalopathy. Also called: Non-ketotic hyperglycinemia; Nonketotic hyperglycinemia. Identifiers: Orphanet 407, MedGen C0751748, MONDO:0011612, HP:0008288.

Allele frequency attached by ClinVar (database versions not stated): gnomAD exomes below 0.00001; gnomAD 0.00001.
gnomAD v4.1: 10 of 1,614,086 alleles (0.00062%); highest among the groups gnomAD compares: Admixed American, 0.0017%; no homozygotes.

Submissions (2):

Labcorp Genetics (formerly Invitae), Labcorp
Classification: Likely benign for Glycine encephalopathy. Last evaluated: 2026-02-03. Review status: criteria provided, single submitter. Criteria: Invitae Variant Classification Sherloc (09022015). Collection method: clinical testing. Allele origin: germline.

CeGaT Center for Human Genetics Tuebingen
Classification: Likely benign. Last evaluated: 2023-09-01. Review status: criteria provided, single submitter. Criteria: CeGaT Center For Human Genetics Tuebingen Variant Classification Criteria Version 2. Collection method: clinical testing. Allele origin: germline. Affected: yes. Observed: 1 variant allele.
Comment: AMT: BP4, BP7

NM_000481.4(AMT):c.435C>T (p.Asn145=)

Gene: AMT (aminomethyltransferase; minus strand). Cytogenetic location: 3p21.31.
Variant type: single nucleotide variant.
Coding change: c.435C>T on transcript NM_000481.4 (MANE Select); coding-DNA position 435, C replaced by T.
Protein change: p.Asn145=; no amino-acid change (asparagine 145 retained).
Molecular consequence: synonymous variant. On other transcripts: non-coding transcript variant (1), intron variant (1).
Genome position (GRCh38, 1-based): chr3:49,420,247, G>A on the plus strand (C>T on the coding strand, the complement: AMT is on the minus strand). VCF-style: chr3-49420247-G-A. GRCh37 (hg19) VCF-style: chr3-49457680-G-A.
Other names: c.267C>T, p.Asn89= (NM_001164711.2); c.435C>T, p.Asn145= (NM_001164712.2); c.340-459C>T (NM_001164710.2).
Identifiers: ClinVar variation 1078289 (VCV001078289.31), dbSNP rs1318110345, ClinGen allele CA433647618.
Genomic context (GRCh38, chr3:49,420,247, plus strand): 5'-GTCTAGAACACAGAGGGGGTATACCTGCATGAGGGCCAAATCTTTCTCCCAGCAGCCAGC[G>A]TTGGACACCACATACAGGTGGCCCTCAGAAGTATTGGTTACAATCAAGTCATCTAAGATG-3'
Protein context (NP_000472.2, residues 135-155): TSEGHLYVVS[Asn145=]AGCWEKDLAL